The following is an entry in ClinVar:

ClinVar aggregate classification (germline): Uncertain significance. Review status: criteria provided, multiple submitters, no conflicts (2 of 4 stars). 4 submissions from 4 submitters: Uncertain significance (3). 1 of the submissions does not count toward it. Last evaluated 2021-08-24.

Conditions:
Duchenne muscular dystrophy (DMD). Also called: Duchenne Muscular Dystrophy (DMD); MUSCULAR DYSTROPHY, PSEUDOHYPERTROPHIC PROGRESSIVE, DUCHENNE TYPE. Identifiers: Orphanet 98896, MedGen C0013264, MONDO:0010679, OMIM 310200.
Dystrophin deficiency.
Becker muscular dystrophy (BMD). Also called: MUSCULAR DYSTROPHY, PSEUDOHYPERTROPHIC PROGRESSIVE, BECKER TYPE; Becker Muscular Dystrophy (BMD). Identifiers: Orphanet 98895, MedGen C0917713, MONDO:0010311, OMIM 300376.
Cardiomyopathy (CMYO). Also called: Cardiomyopathies. Identifiers: Orphanet 167848, MedGen C0878544, MONDO:0004994, HP:0001638. Inheritance: Various modes of inheritance.
Cardiovascular phenotype. Identifiers: MedGen CN230736.

gnomAD v4.1: 4 of 1,211,184 alleles (0.00033%); highest among the groups gnomAD compares: Non-Finnish European, 0.00045%; no homozygotes.

Submissions (4):

Labcorp Genetics (formerly Invitae), Labcorp
Classification: Uncertain significance for Duchenne muscular dystrophy. Last evaluated: 2021-08-24. Review status: criteria provided, single submitter. Criteria: Invitae Variant Classification Sherloc (09022015). Collection method: clinical testing. Allele origin: germline.
Comment: This sequence change replaces arginine with proline at codon 1917 of the DMD protein (p.Arg1917Pro). The arginine residue is moderately conserved and there is a moderate physicochemical difference between arginine and proline. This variant is not present in population databases (ExAC no frequency). This variant has not been reported in the literature in individuals affected with DMD-related conditions. Algorithms developed to predict the effect of missense changes on protein structure and function are either unavailable or do not agree on the potential impact of this missense change (SIFT: "Tolerated"; PolyPhen-2: "Possibly Damaging"; Align-GVGD: "Class C0"). In summary, the available evidence is currently insufficient to determine the role of this variant in disease. Therefore, it has been classified as a Variant of Uncertain Significance.

Ambry Genetics
Classification: Uncertain significance for Cardiovascular phenotype. Last evaluated: 2021-07-19. Review status: criteria provided, single submitter. Criteria: Ambry Variant Classification Scheme 2023. Collection method: clinical testing. Allele origin: germline.
Comment: The p.R1917P variant (also known as c.5750G>C), located in coding exon 41 of the DMD gene, results from a G to C substitution at nucleotide position 5750. The arginine at codon 1917 is replaced by proline, an amino acid with dissimilar properties. This amino acid position is not well conserved in available vertebrate species. In addition, this alteration is predicted to be tolerated by in silico analysis. Since supporting evidence is limited at this time, the clinical significance of this alteration remains unclear.

Revvity Omics, Revvity
Classification: Uncertain significance. Last evaluated: 2019-08-13. Review status: criteria provided, single submitter. Criteria: ACMG Guidelines, 2015. Collection method: clinical testing. Allele origin: germline.

Natera, Inc.
Classification: Uncertain significance for Becker muscular dystrophy; Cardiomyopathy; Duchenne muscular dystrophy; Dystrophin deficiency. Last evaluated: 2020-12-15. Review status: no assertion criteria provided. Collection method: clinical testing. Allele origin: germline. Not counted in ClinVar's aggregate classification.

NM_004006.3(DMD):c.5750G>C (p.Arg1917Pro)

Gene: DMD (dystrophin; minus strand). Cytogenetic location: Xp21.1.
Variant type: single nucleotide variant.
Coding change: c.5750G>C on transcript NM_004006.3 (MANE Select); coding-DNA position 5750, G replaced by C.
Protein change: p.Arg1917Pro; replaces arginine 1917 with proline.
Molecular consequence: missense variant.
Genome position (GRCh38, 1-based): chrX:32,342,272, C>G on the plus strand (G>C on the coding strand, the complement: DMD is on the minus strand). VCF-style: chrX-32342272-C-G. GRCh37 (hg19) VCF-style: chrX-32360389-C-G.
Other names: c.5726G>C, p.Arg1909Pro (NM_000109.4); c.5738G>C, p.Arg1913Pro (NM_004009.3); c.5381G>C, p.Arg1794Pro (NM_004010.3); c.1727G>C, p.Arg576Pro (NM_004011.4); c.1718G>C, p.Arg573Pro (NM_004012.4); short protein forms R1917P, R1913P, R573P, R1794P, R1909P, R576P.
Identifiers: ClinVar variation 843304 (VCV000843304.12), dbSNP rs760528813, ClinGen allele CA412665340.
Genomic context (GRCh38, chrX:32,342,272, plus strand): 5'-GACAAGCCCTCAGCTTGCCTACGCACTGCATTCAGCTCCTCTTTCTTCTTCTGCAATTCC[C>G]GATCAATTTCCTATTGAGCAAAACCAATACAGGGCCCAGGGCAGTTAGCTAACCACATCA-3'
Protein context (NP_003997.2, residues 1907-1927): RDERKIKEID[Arg1917Pro]ELQKKKEELN